The following is an entry in ClinVar:

ClinVar aggregate classification (germline): Uncertain significance. Review status: criteria provided, multiple submitters, no conflicts (2 of 4 stars). 2 submissions from 2 submitters: Uncertain significance (2). Last evaluated 2024-02-29.

Allele frequency attached by ClinVar (database versions not stated): gnomAD exomes 0.00001.
gnomAD v4.1: 7 of 1,610,510 alleles (0.00043%); highest among the groups gnomAD compares: Non-Finnish European, 0.00042%; no homozygotes.

Submissions (2):

Blueprint Genetics
Classification: Uncertain significance. Last evaluated: 2024-02-29. Review status: criteria provided, single submitter. Criteria: ACMG Guidelines, 2015. Collection method: clinical testing. Allele origin: germline.

Labcorp Genetics (formerly Invitae), Labcorp
Classification: Uncertain significance. Last evaluated: 2021-08-12. Review status: criteria provided, single submitter. Criteria: Invitae Variant Classification Sherloc (09022015). Collection method: clinical testing. Allele origin: germline.
Comment: This sequence change replaces serine with isoleucine at codon 4947 of the ADGRV1 protein (p.Ser4947Ile). The serine residue is moderately conserved and there is a large physicochemical difference between serine and isoleucine. This variant is not present in population databases (ExAC no frequency). This variant has not been reported in the literature in individuals affected with ADGRV1-related conditions. Algorithms developed to predict the effect of missense changes on protein structure and function output the following: SIFT: "Tolerated"; PolyPhen-2: "Possibly Damaging"; Align-GVGD: "Class C0". The isoleucine amino acid residue is found in multiple mammalian species, which suggests that this missense change does not adversely affect protein function. In summary, the available evidence is currently insufficient to determine the role of this variant in disease. Therefore, it has been classified as a Variant of Uncertain Significance.

NM_032119.4(ADGRV1):c.14840G>T (p.Ser4947Ile)

Gene: ADGRV1 (adhesion G protein-coupled receptor V1; plus strand). Cytogenetic location: 5q14.3.
Variant type: single nucleotide variant.
Coding change: c.14840G>T on transcript NM_032119.4 (MANE Select); coding-DNA position 14840, G replaced by T.
Protein change: p.Ser4947Ile; replaces serine 4947 with isoleucine.
Molecular consequence: missense variant. On other transcripts: non-coding transcript variant (1).
Genome position (GRCh38, 1-based): chr5:90,807,605, G>T. VCF-style: chr5-90807605-G-T. GRCh37 (hg19) VCF-style: chr5-90103422-G-T.
Other names: short protein forms S4947I.
Identifiers: ClinVar variation 1483966 (VCV001483966.4), dbSNP rs1210058664, ClinGen allele CA360406459.